The following is an entry in ClinVar:

NM_003823.4(TNFRSF6B):c.859G>A (p.Gly287Arg)

Genes: TNFRSF6B (TNF receptor superfamily member 6b; plus strand), RTEL1 (regulator of telomere elongation helicase 1; plus strand), RTEL1-TNFRSF6B (RTEL1-TNFRSF6B readthrough (NMD candidate); plus strand). Cytogenetic location: 20q13.33.
Variant type: single nucleotide variant.
Coding change: c.859G>A on transcript NM_003823.4 (MANE Select); coding-DNA position 859, G replaced by A.
Protein change: p.Gly287Arg; replaces glycine 287 with arginine.
Molecular consequence: missense variant. On other transcripts: non-coding transcript variant (1).
Genome position (GRCh38, 1-based): chr20:63,698,519, G>A. VCF-style: chr20-63698519-G-A. GRCh37 (hg19) VCF-style: chr20-62329872-G-A.
Other names: c.859G>A (NM_003823.3); short protein forms G287R.
Identifiers: ClinVar variation 550727 (VCV000550727.7), dbSNP rs917853575, ClinGen allele CA317537260.

ClinVar aggregate classification (germline): Uncertain significance. Review status: criteria provided, multiple submitters, no conflicts (2 of 4 stars). 3 submissions from 3 submitters: Uncertain significance (2). 1 of the submissions does not count toward it. Last evaluated 2026-01-24.

Conditions:
Dyskeratosis congenita, autosomal recessive 5 (DKCB5). Identifiers: MedGen C3554656, MONDO:0014076, OMIM 615190.

Allele frequency attached by ClinVar (database versions not stated): TOPMed below 0.00001; gnomAD 0.00004 and 0.00003; gnomAD exomes 0.00001.
gnomAD v4.1: 25 of 1,547,924 alleles (0.0016%); highest among the groups gnomAD compares: Admixed American, 0.0064%; no homozygotes.

Submissions (3):

Labcorp Genetics (formerly Invitae), Labcorp
Classification: Uncertain significance. Last evaluated: 2026-01-24. Review status: criteria provided, single submitter. Criteria: Invitae Variant Classification Sherloc (09022015). Collection method: clinical testing. Allele origin: germline.
Comment: This sequence change replaces glycine, which is neutral and non-polar, with arginine, which is basic and polar, at codon 287 of the TNFRSF6B protein (p.Gly287Arg). The frequency data for this variant in the population databases is considered unreliable, as metrics indicate poor data quality at this position in the gnomAD database. This variant has not been reported in the literature in individuals affected with TNFRSF6B-related conditions. ClinVar contains an entry for this variant (Variation ID: 550727). An algorithm developed to predict the effect of missense changes on protein structure and function (PolyPhen-2) suggests that this variant is likely to be disruptive. In summary, the available evidence is currently insufficient to determine the role of this variant in disease. Therefore, it has been classified as a Variant of Uncertain Significance.

Ambry Genetics
Classification: Uncertain significance. Last evaluated: 2023-02-16. Review status: criteria provided, single submitter. Criteria: Ambry Variant Classification Scheme 2023. Collection method: clinical testing. Allele origin: germline.

Counsyl
Classification: Uncertain significance for Dyskeratosis congenita, autosomal recessive 5. Last evaluated: 2017-02-09. Review status: no assertion criteria provided. Collection method: clinical testing. Allele origin: unknown. Not counted in ClinVar's aggregate classification.